The following is an entry in ClinVar:

ClinVar aggregate classification (germline): Likely benign. Review status: criteria provided, multiple submitters, no conflicts (2 of 4 stars). 2 submissions from 2 submitters: Likely benign (2). Last evaluated 2024-10-08.

Allele frequency attached by ClinVar (database versions not stated): ExAC 0.00001; TOPMed 0.00002; gnomAD 0.00004.
gnomAD v4.1: 15 of 1,613,938 alleles (0.00093%); highest among the groups gnomAD compares: Non-Finnish European, 0.0013%; no homozygotes.

Submissions (2):

Women's Health and Genetics/Laboratory Corporation of America, LabCorp
Classification: Likely benign. Last evaluated: 2024-10-08. Review status: criteria provided, single submitter. Criteria: LabCorp Variant Classification Summary - May 2015. Collection method: clinical testing. Allele origin: germline.
Comment: Variant summary: TSHR c.170+16A>C alters a non-conserved nucleotide located at a position not widely known to affect splicing. Consensus agreement among computation tools predict no significant impact on normal splicing. However, these predictions have yet to be confirmed by functional studies. The variant was absent in 248906 control chromosomes (gnomAD). The available data on variant occurrences in the general population are insufficient to allow any conclusion about variant significance. To our knowledge, no occurrence of c.170+16A>C in individuals affected with Hypothyroidism due To TSH Receptor Mutations and no experimental evidence demonstrating its impact on protein function have been reported. ClinVar contains an entry for this variant (Variation ID: 2990903). Based on the evidence outlined above, the variant was classified as likely benign.

Labcorp Genetics (formerly Invitae), Labcorp
Classification: Likely benign. Last evaluated: 2023-12-24. Review status: criteria provided, single submitter. Criteria: Invitae Variant Classification Sherloc (09022015). Collection method: clinical testing. Allele origin: germline.

NM_000369.5(TSHR):c.170+16A>C

Genes: CEP128 (centrosomal protein 128; minus strand), TSHR (thyroid stimulating hormone receptor; plus strand). Cytogenetic location: 14q31.1.
Variant type: single nucleotide variant.
Coding change: c.170+16A>C on transcript NM_000369.5 (MANE Select); 16 bases into the intron after coding-DNA position 170, A replaced by C.
Molecular consequence: intron variant.
Genome position (GRCh38, 1-based): chr14:80,955,866, A>C. VCF-style: chr14-80955866-A-C. GRCh37 (hg19) VCF-style: chr14-81422210-A-C.
Other names: c.170+16A>C (NM_001142626.3, NM_001018036.3).
Identifiers: ClinVar variation 2990903 (VCV002990903.4), dbSNP rs760523828, ClinGen allele CA7294005.